The following is an entry in ClinVar:

NM_199334.5(THRA):c.788C>T (p.Ala263Val)

Gene: THRA (thyroid hormone receptor alpha; plus strand). Cytogenetic location: 17q21.1.
Variant type: single nucleotide variant.
Coding change: c.788C>T on transcript NM_199334.5 (MANE Select); coding-DNA position 788, C replaced by T.
Protein change: p.Ala263Val; replaces alanine 263 with valine.
Molecular consequence: missense variant.
Genome position (GRCh38, 1-based): chr17:40,088,306, C>T. VCF-style: chr17-40088306-C-T. GRCh37 (hg19) VCF-style: chr17-38244559-C-T.
Other names: c.788C>T, p.Ala263Val (NM_001190918.2, NM_001190919.2, NM_003250.6); c.788C>T (NM_199334.4); short protein forms A263V.
Identifiers: ClinVar variation 522121 (VCV000522121.8), dbSNP rs1555545033, ClinGen allele CA399274760.

ClinVar aggregate classification (germline): Pathogenic/Likely pathogenic. Review status: criteria provided, multiple submitters, no conflicts (2 of 4 stars). 3 submissions from 3 submitters: Pathogenic (1); Likely pathogenic (2). Last evaluated 2022-11-05.

Conditions:
Congenital nongoitrous hypothyroidism 6. Also called: Congenital nongoitrous hypothryoidism 6. Identifiers: Orphanet 97927, MedGen C3280817, MONDO:0013757, OMIM 614450.
Inborn genetic diseases. Identifiers: MedGen C0950123, MeSH D030342.

Submissions (3):

GeneDx
Classification: Pathogenic. Last evaluated: 2022-11-05. Review status: criteria provided, single submitter. Criteria: GeneDx Variant Classification Process June 2021. Collection method: clinical testing. Allele origin: germline. Affected: yes.
Comment: Published functional studies demonstrate a damaging effect (Marelli et al., 2017; Moran et al., 2014); Not observed in large population cohorts (gnomAD); This variant is associated with the following publications: (PMID: 32349464, 27144938, 27809680, 28471274, 24969835, 26037512, 27381958, 30842990, 33509032)

Revvity Omics, Revvity
Classification: Likely pathogenic for Congenital nongoitrous hypothyroidism 6. Last evaluated: 2022-01-12. Review status: criteria provided, single submitter. Criteria: ACMG Guidelines, 2015. Collection method: clinical testing. Allele origin: germline.

Ambry Genetics
Classification: Likely pathogenic for Inborn genetic diseases. Last evaluated: 2017-10-04. Review status: criteria provided, single submitter. Criteria: Ambry exome assertion method (8-5-2015). Collection method: clinical testing. Allele origin: germline. Affected: yes. Observed: 1 variant allele.

Literature cited by the submitters: PubMed 24969835 (cited by Ambry Genetics).